The following is an entry in ClinVar:

NM_006904.7(PRKDC):c.3315G>T (p.Val1105=)

Gene: PRKDC (protein kinase, DNA-activated, catalytic subunit; minus strand). Cytogenetic location: 8q11.21.
Variant type: single nucleotide variant.
Coding change: c.3315G>T on transcript NM_006904.7 (MANE Select); coding-DNA position 3315, G replaced by T.
Protein change: p.Val1105=; no amino-acid change (valine 1105 retained).
Molecular consequence: synonymous variant.
Genome position (GRCh38, 1-based): chr8:47,900,422, C>A on the plus strand (G>T on the coding strand, the complement: PRKDC is on the minus strand). VCF-style: chr8-47900422-C-A. GRCh37 (hg19) VCF-style: chr8-48812982-C-A.
Other names: c.3315G>T, p.Val1105= (NM_001081640.2).
Identifiers: ClinVar variation 475225 (VCV000475225.19), dbSNP rs56047668, ClinGen allele CA4741220.

ClinVar aggregate classification (germline): Benign/Likely benign. Review status: criteria provided, multiple submitters, no conflicts (2 of 4 stars). 7 submissions from 7 submitters: Benign (2); Likely benign (2). 3 of the submissions do not count toward it. Last evaluated 2026-01-18.

Conditions:
PRKDC-related disorder. Also called: PRKDC-related condition.
Severe combined immunodeficiency due to DNA-PKcs deficiency. Also called: IMMUNODEFICIENCY 26 WITH NEUROLOGIC ABNORMALITIES; Immunodeficiency 26 with or without neurologic abnormalities. Identifiers: Orphanet 317425, MedGen C4014833, MONDO:0014423, OMIM 615966.

Allele frequency attached by ClinVar (database versions not stated): TOPMed 0.00082; ESP Exome Variant Server 0.00131; gnomAD exomes 0.00139 and 0.00172; gnomAD 0.00153 and 0.00160; ExAC 0.00197.
gnomAD v4.1: 2,244 of 1,611,894 alleles (0.14%); highest among the groups gnomAD compares: Non-Finnish European, 0.12%; 7 homozygotes.

Submissions (7):

Labcorp Genetics (formerly Invitae), Labcorp
Classification: Benign for Severe combined immunodeficiency due to DNA-PKcs deficiency. Last evaluated: 2026-01-18. Review status: criteria provided, single submitter. Criteria: Invitae Variant Classification Sherloc (09022015). Collection method: clinical testing. Allele origin: germline.

Blueprint Genetics
Classification: Likely benign. Last evaluated: 2024-09-23. Review status: criteria provided, single submitter. Criteria: ACMG Guidelines, 2015. Collection method: clinical testing. Allele origin: germline.

Ambry Genetics
Classification: Likely benign. Last evaluated: 2022-02-12. Review status: criteria provided, single submitter. Criteria: Ambry Variant Classification Scheme 2023. Collection method: clinical testing. Allele origin: germline.

Breakthrough Genomics
Classification: Benign. Review status: criteria provided, single submitter. Criteria: ACMG Guidelines, 2015. Collection method: not provided. Allele origin: germline. Inheritance: Autosomal recessive inheritance. Affected: yes.

PreventionGenetics, part of Exact Sciences
Classification: Benign for PRKDC-related condition. Last evaluated: 2019-07-10. Review status: no assertion criteria provided. Collection method: clinical testing. Allele origin: germline. Not counted in ClinVar's aggregate classification.
Comment: This variant is classified as benign based on ACMG/AMP sequence variant interpretation guidelines (Richards et al. 2015 PMID: 25741868, with internal and published modifications).

Clinical Genetics DNA and cytogenetics Diagnostics Lab, Erasmus MC, Erasmus Medical Center
Classification: Likely benign. Review status: no assertion criteria provided. Collection method: clinical testing. Allele origin: germline. Affected: yes. Study: VKGL Data-share Consensus. Not counted in ClinVar's aggregate classification.

Genome Diagnostics Laboratory, University Medical Center Utrecht
Classification: Likely benign. Review status: no assertion criteria provided. Collection method: clinical testing. Allele origin: germline. Affected: yes. Study: VKGL Data-share Consensus. Not counted in ClinVar's aggregate classification.